The following is an entry in ClinVar:

ClinVar aggregate classification (germline): Conflicting classifications of pathogenicity. Review status: criteria provided, conflicting classifications (1 of 4 stars). 7 submissions from 7 submitters: Uncertain significance (6); Likely benign (1). Last evaluated 2026-05-12.

Conditions:
ADGRV1-related disorder. Also called: ADGRV1-related disorders; ADGRV1-related condition.
Usher syndrome. Also called: Usher's syndrome; Usher Syndromes. Identifiers: Orphanet 886, MedGen CN469326, MeSH D052245, MONDO:0019501. Disease mechanism: loss of function.

Allele frequency attached by ClinVar (database versions not stated): ExAC 0.00003; gnomAD 0.00006 and 0.00007; gnomAD exomes 0.00006 and 0.00012; ESP Exome Variant Server 0.00008; TOPMed 0.00012.
gnomAD v4.1: 188 of 1,600,272 alleles (0.012%); highest among the groups gnomAD compares: Non-Finnish European, 0.015%; no homozygotes.

Submissions (7):

PreventionGenetics, part of Exact Sciences
Classification: Uncertain significance for ADGRV1-related condition. Last evaluated: 2026-05-12. Review status: criteria provided, single submitter. Criteria: ACMG Guidelines, 2015. Collection method: clinical testing. Allele origin: germline.
Comment: The ADGRV1 c.13228G>A variant is predicted to result in the amino acid substitution p.Glu4410Lys. This variant was reported together with ADGRV1 variant c.8266G>A in an individual with atypical childhood epilepsy with centrotemporal spikes with negative myoclonus (ACECTS) and both variants were assessed as variants of unknown significance (Myers et al. 2018. PubMed ID: 29266188). This variant is reported in 0.013% of alleles in individuals of European (Non-Finnish) descent in gnomAD; and the co-occurrence tool indicates this variant is like on the same allele (i.e. in cis) with variant c.8266G>A. At this time, the clinical significance of this variant is uncertain due to the absence of conclusive functional and genetic evidence.

Labcorp Genetics (formerly Invitae), Labcorp
Classification: Likely benign. Last evaluated: 2025-11-25. Review status: criteria provided, single submitter. Criteria: Invitae Variant Classification Sherloc (09022015). Collection method: clinical testing. Allele origin: germline.

Athena Diagnostics
Classification: Uncertain significance. Last evaluated: 2024-12-06. Review status: criteria provided, single submitter. Criteria: Athena Diagnostics Criteria. Collection method: clinical testing. Allele origin: unknown.
Comment: Available data are insufficient to determine the clinical significance of the variant at this time. The frequency of this variant in the general population is uninformative in assessment of its pathogenicity. Polyphen and MutationTaster predict this amino acid change may be benign.

Blueprint Genetics
Classification: Uncertain significance. Last evaluated: 2024-10-01. Review status: criteria provided, single submitter. Criteria: ACMG Guidelines, 2015. Collection method: clinical testing. Allele origin: germline.

GeneDx
Classification: Uncertain significance. Last evaluated: 2023-08-04. Review status: criteria provided, single submitter. Criteria: GeneDx Variant Classification Process June 2021. Collection method: clinical testing. Allele origin: germline. Affected: yes.
Comment: Observed with the G2756R variant in the ADGRV1 gene in a patient with myoclonic epilepsy in published literature (Myers et al., 2018); Observed with the G2756R variant in the ADGRV1 gene in unrelated patients referred for genetic testing at GeneDx, confirmed to be on the same allele (in cis) in a single case; In silico analysis supports that this missense variant does not alter protein structure/function; This variant is associated with the following publications: (PMID: 29266188, 34160719, 36399868, 32962041)

Victorian Clinical Genetics Services, Murdoch Childrens Research Institute
Classification: Uncertain significance for Usher syndrome. Last evaluated: 2020-05-26. Review status: criteria provided, single submitter. Criteria: ACMG Guidelines, 2015. Collection method: clinical testing. Allele origin: germline. Affected: yes.
Comment: Based on the classification scheme VCGS_Germline_v0.6.1, this variant is classified as a 3C-VUS. Following criteria are met: 0102 - Loss of function is a known mechanism of disease for this gene. 0108 - This gene is known to be associated with both recessive and dominant disease. 0200 - Variant is predicted to result in a missense amino acid change from a glutamic acid to a lysine (exon 65). 0304 - Variant is present in gnomAD <0.01 for recessive indication (18 heterozygotes, 0 homozygotes) 0309 - An alternative amino acid change at the same position has been observed in gnomAD (1 heterozygote, 0 homozygotes). 0503 - Missense variant consistently predicted to be tolerated OR not conserved in mammals with a minor amino acid change. 0600 - Variant is located in an annotated domain or motif that does not have a well-established function (Calx-beta domain). 0705 - No comparable variants in relevant codon/region have previous evidence for pathogenicity. 0807 - Variant has not previously been reported in a clinical context. 0905 - No published segregation evidence has been identified for this variant. 1007 - No published functional evidence has been identified for this variant. Legend: (P) - Pathogenic, (N) - Neutral, (B) - Benign

Laboratory for Molecular Medicine, Mass General Brigham Personalized Medicine
Classification: Uncertain significance. Last evaluated: 2017-02-28. Review status: criteria provided, single submitter. Criteria: LMM Criteria. Collection method: clinical testing. Allele origin: germline. Observed: 1 variant allele.
Comment: Variant classified as Uncertain Significance - Favor Benign. The p.Glu4410Lys va riant in GPR98 has not been previously reported in individuals with Usher syndro me, but has been identified in 3/61466 European chromosomes by the Exome Aggrega tion Consortium (ExAC; dbSNP rs371970388). Altho ugh this variant has been seen in the general population, its frequency is not h igh enough to rule out a pathogenic role. The glutamic acid (Glu) at position 44 10 is not conserved across species with two mammals (squirrel and aardvark) havi ng a lysine (Lys) at this position despite high nearby amino acid conservation. In addition, computational prediction tools do not suggest a high likelihood of impact to the protein. In summary, while the clinical significance of the p.Glu4 410Lys variant is uncertain, available data suggest that it is more likely to be benign.

Literature cited by the submitters: PubMed 29266188 (cited by Athena Diagnostics).

NM_032119.4(ADGRV1):c.13228G>A (p.Glu4410Lys)

Gene: ADGRV1 (adhesion G protein-coupled receptor V1; plus strand). Cytogenetic location: 5q14.3.
Variant type: single nucleotide variant.
Coding change: c.13228G>A on transcript NM_032119.4 (MANE Select); coding-DNA position 13228, G replaced by A.
Protein change: p.Glu4410Lys; replaces glutamic acid 4410 with lysine.
Molecular consequence: missense variant. On other transcripts: non-coding transcript variant (1).
Genome position (GRCh38, 1-based): chr5:90,781,575, G>A. VCF-style: chr5-90781575-G-A. GRCh37 (hg19) VCF-style: chr5-90077392-G-A.
Other names: short protein forms E4410K.
Identifiers: ClinVar variation 449253 (VCV000449253.19), dbSNP rs371970388, ClinGen allele CA3341464.
Genomic context (GRCh38, chr5:90,781,575, plus strand): 5'-ATAATGAAAAATGATAACGCAGAAGGCATCATTGAATTTGACCCAAAGTATACTGCCTTC[G>A]AAGGTAGGTTCAGTCAGCTAGCTTGTAAGTAAGTTTACTACCACTTTCCAAATTACATTA-3'
Protein context (NP_115495.3, residues 4400-4420): IEFDPKYTAF[Glu4410Lys]VEEDVGLIMI